The following is an entry in ClinVar:

ClinVar aggregate classification (germline): Uncertain significance. Review status: criteria provided, multiple submitters, no conflicts (2 of 4 stars). 8 submissions from 8 submitters: Uncertain significance (6). 2 of the submissions do not count toward it. Last evaluated 2024-11-07.

Conditions:
Martsolf syndrome (MARTS). Also called: Congenital cataract with intellectual disability and hypogonadotropic hypogonadism syndrome. Identifiers: Orphanet 1387, MedGen C0796037, MONDO:0023910.
Warburg micro syndrome 2 (WARBM2). Also called: MICRO SYNDROME 2. Identifiers: Orphanet 2510, MedGen C3280214, MONDO:0013641, OMIM 614225.
Martsolf syndrome 1. Identifiers: Orphanet 1387, MedGen C5542298, MONDO:8000008, OMIM 212720.
Inborn genetic diseases. Identifiers: MedGen C0950123, MeSH D030342.
RAB3GAP2-related disorder. Also called: RAB3GAP2-related condition; RAB3GAP2-related disorders.
Amenorrhea. Identifiers: MedGen C0002453, MONDO:0001836, HP:0000141.

Allele frequency attached by ClinVar (database versions not stated): ESP Exome Variant Server 0.00008; ExAC 0.00019; gnomAD 0.00019 and 0.00021; gnomAD exomes 0.00019 and 0.00033; 1000 Genomes Project 0.00060; TOPMed 0.00062; 1000 Genomes Project 30x 0.00078.
gnomAD v4.1: 346 of 1,614,020 alleles (0.021%); highest among the groups gnomAD compares: Middle Eastern, 0.28%; 1 homozygote.

Submissions (8):

Blueprint Genetics
Classification: Uncertain significance. Last evaluated: 2024-11-07. Review status: criteria provided, single submitter. Criteria: ACMG Guidelines, 2015. Collection method: clinical testing. Allele origin: germline.

Labcorp Genetics (formerly Invitae), Labcorp
Classification: Uncertain significance for Martsolf syndrome; Warburg micro syndrome 2. Last evaluated: 2022-10-25. Review status: criteria provided, single submitter. Criteria: Invitae Variant Classification Sherloc (09022015). Collection method: clinical testing. Allele origin: germline.
Comment: This sequence change replaces proline, which is neutral and non-polar, with leucine, which is neutral and non-polar, at codon 527 of the RAB3GAP2 protein (p.Pro527Leu). This variant is present in population databases (rs149563712, gnomAD 0.1%). This variant has not been reported in the literature in individuals affected with RAB3GAP2-related conditions. ClinVar contains an entry for this variant (Variation ID: 580491). Advanced modeling of protein sequence and biophysical properties (such as structural, functional, and spatial information, amino acid conservation, physicochemical variation, residue mobility, and thermodynamic stability) performed at Invitae indicates that this missense variant is not expected to disrupt RAB3GAP2 protein function. In summary, the available evidence is currently insufficient to determine the role of this variant in disease. Therefore, it has been classified as a Variant of Uncertain Significance.

New York Genome Center
Classification: Uncertain significance for Martsolf syndrome 1; Warburg micro syndrome 2. Last evaluated: 2021-12-10. Review status: criteria provided, single submitter. Criteria: NYGC Assertion Criteria 2020. Collection method: clinical testing. Allele origin: inherited. Observed: 1 heterozygote. Study: CSER-NYCKidSeq.

Ambry Genetics
Classification: Uncertain significance for Inborn genetic diseases. Last evaluated: 2021-10-12. Review status: criteria provided, single submitter. Criteria: Ambry Variant Classification Scheme 2023. Collection method: clinical testing. Allele origin: germline.

GeneDx
Classification: Uncertain significance. Last evaluated: 2020-01-17. Review status: criteria provided, single submitter. Criteria: GeneDx Variant Classification Process June 2021. Collection method: clinical testing. Allele origin: germline. Affected: yes.
Comment: In silico analysis, which includes protein predictors and evolutionary conservation, supports a deleterious effect; Has not been previously published as pathogenic or benign to our knowledge

Revvity Omics, Revvity
Classification: Uncertain significance. Last evaluated: 2019-10-15. Review status: criteria provided, single submitter. Criteria: ACMG Guidelines, 2015. Collection method: clinical testing. Allele origin: germline.

PreventionGenetics, part of Exact Sciences
Classification: Uncertain significance for RAB3GAP2-related condition. Last evaluated: 2024-07-11. Review status: no assertion criteria provided. Collection method: clinical testing. Allele origin: germline. Not counted in ClinVar's aggregate classification.
Comment: The RAB3GAP2 c.1580C>T variant is predicted to result in the amino acid substitution p.Pro527Leu. This variant has been reported in a homozygous state in an individual with RAB3GAP2-related disorder (Akula SK et al 2023. PubMed ID: 37486637) and in an individual with hypothalamic amenorrhoea, although the zygosity is unknown (Delaney et al 2021. PubMed ID: 32870266). This variant is reported in 0.11% of alleles in individuals of Latino descent in gnomAD. At this time, the clinical significance of this variant is uncertain due to the absence of conclusive functional and genetic evidence.

Yale Center for Mendelian Genomics, Yale University
Classification: Uncertain significance for Amenorrhea. Last evaluated: 2021-03-08. Review status: no assertion criteria provided. Collection method: literature only. Allele origin: unknown. Affected: yes. Observed: 1 heterozygote. Study: Yale Center for Mendelian Genomics. Not counted in ClinVar's aggregate classification.

Literature cited by the submitters: PubMed 32870266 (cited by Yale Center for Mendelian Genomics, Yale University).

NM_012414.4(RAB3GAP2):c.1580C>T (p.Pro527Leu)

Gene: RAB3GAP2 (RAB3 GTPase activating non-catalytic protein subunit 2; minus strand). Cytogenetic location: 1q41.
Variant type: single nucleotide variant.
Coding change: c.1580C>T on transcript NM_012414.4 (MANE Select); coding-DNA position 1580, C replaced by T.
Protein change: p.Pro527Leu; replaces proline 527 with leucine.
Molecular consequence: missense variant.
Genome position (GRCh38, 1-based): chr1:220,190,428, G>A on the plus strand (C>T on the coding strand, the complement: RAB3GAP2 is on the minus strand). VCF-style: chr1-220190428-G-A. GRCh37 (hg19) VCF-style: chr1-220363770-G-A.
Other names: short protein forms P527L.
Identifiers: ClinVar variation 580491 (VCV000580491.16), dbSNP rs149563712, ClinGen allele CA1402673.